The following is an entry in ClinVar:

NM_001130021.3(ATP6V0A1):c.2000A>T (p.His667Leu)

Gene: ATP6V0A1 (ATPase H+ transporting V0 subunit a1; plus strand). Cytogenetic location: 17q21.2.
Variant type: single nucleotide variant.
Coding change: c.2000A>T on transcript NM_001130021.3 (MANE Select); coding-DNA position 2000, A replaced by T.
Protein change: p.His667Leu; replaces histidine 667 with leucine.
Molecular consequence: missense variant.
Genome position (GRCh38, 1-based): chr17:42,501,300, A>T. VCF-style: chr17-42501300-A-T. GRCh37 (hg19) VCF-style: chr17-40653318-A-T.
Other names: c.1871A>T, p.His624Leu (NM_001378538.1, NM_001378540.1); c.2021A>T, p.His674Leu (NM_001378539.1, NM_001378541.1, NM_001130020.3 and 3 more transcripts); c.2000A>T, p.His667Leu (NM_001378542.1, NM_001378544.1, NM_001378535.1 and 3 more transcripts); c.1841A>T, p.His614Leu (NM_001378543.1); c.1790A>T, p.His597Leu (NM_001378545.1, NM_001378554.1); c.1787A>T, p.His596Leu (NM_001378546.1, NM_001378547.1); c.2123A>T, p.His708Leu (NM_001378530.1, NM_001378533.1, NM_001378551.1 and 1 more transcripts); c.2144A>T, p.His715Leu (NM_001378531.1, NM_001378532.1); and 3 more; short protein forms H585L, H596L, H597L, H607L, H614L, H624L, H631L, H667L.
Identifiers: ClinVar variation 5020388 (VCV005020388.1).
Genomic context (GRCh38, chr17:42,501,300, plus strand): 5'-TACCTTGGATGCTGCTGTTTAAACCATTGGTCCTTCGCCGTCAGTATTTGAGGAGAAAGC[A>T]TTTGGTAGGTGTATTTCTATTGCTAAAAGTTACTAGACTTTTGTTTTGTTCAAGATCAAG-3'
Protein context (NP_001123493.1, residues 657-677): VLRRQYLRRK[His667Leu]LGTLNFGGIR

ClinVar aggregate classification (germline): Uncertain significance (1 of 4 stars; one submission).

Submission:

Dasa
Classification: Uncertain significance. Last evaluated: 2026-06-12. Review status: criteria provided, single submitter. Criteria: DASA Assertion Criteria. Collection method: clinical testing. Allele origin: germline.
Comment: NM_001130021.3(ATP6V0A1):c.2000A>T (p.His667Leu) is a missense variant that results in the substitution of histidine with leucine. This variant is rare in population databases. The currently available literature and clinical evidence are not sufficient to establish a definitive association between this variant and the reported condition. Therefore, this variant is classified as a variant of uncertain significance.